The following is an entry in ClinVar:

NM_021224.6(ZNF462):c.6567C>T (p.Ala2189=)

Gene: ZNF462 (zinc finger protein 462; plus strand). Cytogenetic location: 9q31.2.
Variant type: single nucleotide variant.
Coding change: c.6567C>T on transcript NM_021224.6 (MANE Select); coding-DNA position 6567, C replaced by T.
Protein change: p.Ala2189=; no amino-acid change (alanine 2189 retained).
Molecular consequence: synonymous variant.
Genome position (GRCh38, 1-based): chr9:106,972,144, C>T. VCF-style: chr9-106972144-C-T. GRCh37 (hg19) VCF-style: chr9-109734425-C-T.
Other names: c.3972C>T, p.Ala1324= (NM_001347997.2).
Identifiers: ClinVar variation 2659398 (VCV002659398.24), dbSNP rs548250857, ClinGen allele CA5172264.

ClinVar aggregate classification (germline): Likely benign (1 of 4 stars; one submission).

Allele frequency attached by ClinVar (database versions not stated): TOPMed 0.00004; gnomAD 0.00022; gnomAD exomes 0.00044; ExAC 0.00108; 1000 Genomes Project 30x 0.00109; 1000 Genomes Project 0.00120.
gnomAD v4.1: 687 of 1,614,198 alleles (0.043%); highest among the groups gnomAD compares: South Asian, 0.68%; 9 homozygotes.

Submission:

CeGaT Center for Human Genetics Tuebingen
Classification: Likely benign. Last evaluated: 2026-06-01. Review status: criteria provided, single submitter. Criteria: CeGaT Center For Human Genetics Tuebingen Variant Classification Criteria Version 2. Collection method: clinical testing. Allele origin: germline. Affected: yes. Observed: 4 variant alleles.
Comment: ZNF462: BP4, BP7